The following is an entry in ClinVar:

ClinVar aggregate classification (germline): Uncertain significance. Review status: criteria provided, multiple submitters, no conflicts (2 of 4 stars). 3 submissions from 3 submitters: Uncertain significance (3). Last evaluated 2026-08-11.

Conditions:
Hereditary cancer-predisposing syndrome. Also called: Hereditary Cancer Syndrome; Neoplastic Syndromes, Hereditary; Hereditary neoplastic syndrome; Tumor predisposition. Identifiers: Orphanet 140162, MedGen C0027672, MeSH D009386, MONDO:0015356.
POLD1-related polyposis and colorectal cancer syndrome (CRCS10). Also called: Colorectal cancer 10; Colorectal cancer, susceptibility to, 10; COLORECTAL CANCER, SUSCEPTIBILITY TO, ON CHROMOSOME 19q. Identifiers: Orphanet 220460, MedGen C2675481, MONDO:0012953, OMIM 612591.

Submissions (3):

Ambry Genetics
Classification: Uncertain significance for Hereditary cancer-predisposing syndrome. Last evaluated: 2026-08-11. Review status: criteria provided, single submitter. Criteria: Ambry Variant Classification Scheme 2023. Collection method: clinical testing. Allele origin: germline.
Comment: The p.V651A variant (also known as c.1952T>C), located in coding exon 15 of the POLD1 gene, results from a T to C substitution at nucleotide position 1952. The valine at codon 651 is replaced by alanine, an amino acid with similar properties. This amino acid position is conserved. In addition, the in silico prediction for this alteration is inconclusive. Based on the available evidence, the clinical significance of this variant remains unclear.

Labcorp Genetics (formerly Invitae), Labcorp
Classification: Uncertain significance for POLD1-related polyposis and colorectal cancer syndrome. Last evaluated: 2025-01-10. Review status: criteria provided, single submitter. Criteria: Invitae Variant Classification Sherloc (09022015). Collection method: clinical testing. Allele origin: germline.
Comment: This sequence change replaces valine, which is neutral and non-polar, with alanine, which is neutral and non-polar, at codon 651 of the POLD1 protein (p.Val651Ala). This variant is not present in population databases (gnomAD no frequency). This variant has not been reported in the literature in individuals affected with POLD1-related conditions. ClinVar contains an entry for this variant (Variation ID: 1362214). Invitae Evidence Modeling of protein sequence and biophysical properties (such as structural, functional, and spatial information, amino acid conservation, physicochemical variation, residue mobility, and thermodynamic stability) indicates that this missense variant is not expected to disrupt POLD1 protein function with a negative predictive value of 80%. In summary, the available evidence is currently insufficient to determine the role of this variant in disease. Therefore, it has been classified as a Variant of Uncertain Significance.

GeneDx
Classification: Uncertain significance. Last evaluated: 2023-01-23. Review status: criteria provided, single submitter. Criteria: GeneDx Variant Classification Process June 2021. Collection method: clinical testing. Allele origin: germline. Affected: yes.
Comment: Not observed at significant frequency in large population cohorts (gnomAD); In silico analysis supports that this missense variant has a deleterious effect on protein structure/function; Has not been previously published as pathogenic or benign to our knowledge

NM_002691.4(POLD1):c.1952T>C (p.Val651Ala)

Gene: POLD1 (DNA polymerase delta 1, catalytic subunit; plus strand). Cytogenetic location: 19q13.33.
Variant type: single nucleotide variant.
Coding change: c.1952T>C on transcript NM_002691.4 (MANE Select); coding-DNA position 1952, T replaced by C.
Protein change: p.Val651Ala; replaces valine 651 with alanine.
Molecular consequence: missense variant. On other transcripts: non-coding transcript variant (1).
Genome position (GRCh38, 1-based): chr19:50,409,181, T>C. VCF-style: chr19-50409181-T-C. GRCh37 (hg19) VCF-style: chr19-50912438-T-C.
Other names: c.1952T>C (NM_002691.3, NM_002691.2); c.1952T>C, p.Val651Ala (NM_001256849.1); c.2030T>C, p.Val677Ala (NM_001308632.1); short protein forms V677A, V651A.
Identifiers: ClinVar variation 1362214 (VCV001362214.9), dbSNP rs2122376947, ClinGen allele CA406982310.